The following is an entry in ClinVar:

ClinVar aggregate classification (germline): Conflicting classifications of pathogenicity. Review status: criteria provided, conflicting classifications (1 of 4 stars). 6 submissions from 6 submitters: Uncertain significance (5); Likely benign (1). Last evaluated 2025-03-28.

Conditions:
Cardiovascular phenotype. Identifiers: MedGen CN230736.
Cardiomyopathy (CMYO). Also called: Cardiomyopathies. Identifiers: Orphanet 167848, MedGen C0878544, MONDO:0004994, HP:0001638. Inheritance: Various modes of inheritance.
Arrhythmogenic right ventricular cardiomyopathy (ARVD). Also called: Arrhythmogenic cardiomyopathy; Cardiomyopathy, ARVC; Arrhythmogenic right ventricular dysplasia; Arrhythmogenic Right Ventricular Cardiomyopathy (ARVC). Identifiers: Orphanet 247, MedGen C0349788, MeSH D019571, MONDO:0016587. Disease mechanism: loss of function. Inheritance: Various modes of inheritance.
Arrhythmogenic right ventricular dysplasia 9 (ARVD9). Also called: Arrhythmogenic Right Ventricular Dysplasia/Cardiomyopathy 9; ARRHYTHMOGENIC RIGHT VENTRICULAR DYSPLASIA, FAMILIAL, 9. Identifiers: MedGen C1836906, MONDO:0012180, OMIM 609040.

Allele frequency attached by ClinVar (database versions not stated): gnomAD exomes 0.00001 and 0.00002; TOPMed 0.00001; gnomAD 0.00002; ExAC 0.00001.
gnomAD v4.1: 25 of 1,614,006 alleles (0.0015%); highest among the groups gnomAD compares: South Asian, 0.0066%; no homozygotes.

Submissions (6):

Clinical Genomics Laboratory, Washington University in St. Louis
Classification: Uncertain significance for Arrhythmogenic right ventricular dysplasia 9. Last evaluated: 2025-03-28. Review status: criteria provided, single submitter. Criteria: ACMG Guidelines, 2015. Collection method: clinical testing. Allele origin: germline.
Comment: The PKP2 c.1943A>G (p.Lys648Arg) variant, to our knowledge, has not been reported in the medical literature. This variant is only observed on 25/1,615,006 alleles in the general population (gnomAD v4.1.0), indicating it is not a common variant. This variant has been submitted to ClinVar as a variant of uncertain significance by five laboratories (Variation ID: 629108). Computational predictors suggest that the variant does not impact PKP2 function. Due to limited information, and based on ACMG/AMP guidelines for variant interpretation (Richards S et al., PMID: 25741868), the clinical significance of this variant is uncertain at this time.

Labcorp Genetics (formerly Invitae), Labcorp
Classification: Uncertain significance for Arrhythmogenic right ventricular dysplasia 9. Last evaluated: 2025-02-27. Review status: criteria provided, single submitter. Criteria: Invitae Variant Classification Sherloc (09022015). Collection method: clinical testing. Allele origin: germline.
Comment: This sequence change replaces lysine, which is basic and polar, with arginine, which is basic and polar, at codon 692 of the PKP2 protein (p.Lys692Arg). This variant is present in population databases (rs776915959, gnomAD 0.003%). This variant has not been reported in the literature in individuals affected with PKP2-related conditions. ClinVar contains an entry for this variant (Variation ID: 629108). An algorithm developed to predict the effect of missense changes on protein structure and function (PolyPhen-2) suggests that this variant is likely to be disruptive. In summary, the available evidence is currently insufficient to determine the role of this variant in disease. Therefore, it has been classified as a Variant of Uncertain Significance.

Color Diagnostics, LLC DBA Color Health
Classification: Likely benign for Cardiomyopathy. Last evaluated: 2024-12-11. Review status: criteria provided, single submitter. Criteria: ACMG Guidelines, 2015. Collection method: clinical testing. Allele origin: germline.

All of Us Research Program, National Institutes of Health
Classification: Uncertain significance for Arrhythmogenic right ventricular cardiomyopathy. Last evaluated: 2024-04-25. Review status: criteria provided, single submitter. Criteria: ACMG Guidelines, 2015. Collection method: clinical testing. Allele origin: germline. Inheritance: Autosomal dominant inheritance. Observed: 4 variant alleles, 4 heterozygotes.
Comment: This missense variant replaces lysine with arginine at codon 692 of the PKP2 protein. Computational prediction suggests that this variant may not impact protein structure and function (internally defined REVEL score threshold <= 0.5, PMID: 27666373). To our knowledge, functional studies have not been reported for this variant. This variant has not been reported in individuals affected with cardiovascular disorders in the literature. This variant has been identified in 3/251388 chromosomes in the general population by the Genome Aggregation Database (gnomAD). The available evidence is insufficient to determine the role of this variant in disease conclusively. Therefore, this variant is classified as a Variant of Uncertain Significance.

This study involves interpretation of variants in research participants for the purpose of population health screening. Participant phenotype was not available at the time of variant classification. Additional details can be found in publication PMID: 35346344, PMCID: PMC8962531

Ambry Genetics
Classification: Uncertain significance for Cardiovascular phenotype. Last evaluated: 2023-08-08. Review status: criteria provided, single submitter. Criteria: Ambry Variant Classification Scheme 2023. Collection method: clinical testing. Allele origin: germline.
Comment: The p.K692R variant (also known as c.2075A>G), located in coding exon 10 of the PKP2 gene, results from an A to G substitution at nucleotide position 2075. The lysine at codon 692 is replaced by arginine, an amino acid with highly similar properties. This amino acid position is not well conserved in available vertebrate species. In addition, this alteration is predicted to be tolerated by in silico analysis. Since supporting evidence is limited at this time, the clinical significance of this alteration remains unclear.

Molecular Diagnostic Laboratory for Inherited Cardiovascular Disease, Montreal Heart Institute
Classification: Uncertain significance. Review status: criteria provided, single submitter. Criteria: ACMG Guidelines, 2015. Collection method: clinical testing. Allele origin: germline. Affected: yes.

NM_001005242.3(PKP2):c.1943A>G (p.Lys648Arg)

Gene: PKP2 (plakophilin 2; minus strand). Cytogenetic location: 12p11.21.
Variant type: single nucleotide variant.
Coding change: c.1943A>G on transcript NM_001005242.3 (MANE Select); coding-DNA position 1943, A replaced by G.
Protein change: p.Lys648Arg; replaces lysine 648 with arginine.
Molecular consequence: missense variant.
Genome position (GRCh38, 1-based): chr12:32,821,426, T>C on the plus strand (A>G on the coding strand, the complement: PKP2 is on the minus strand). VCF-style: chr12-32821426-T-C. GRCh37 (hg19) VCF-style: chr12-32974360-T-C.
Other names: c.2075A>G, p.Lys692Arg (NM_004572.4); short protein forms K692R, K648R.
Identifiers: ClinVar variation 629108 (VCV000629108.20), dbSNP rs776915959, ClinGen allele CA032566.